The following is an entry in ClinVar:

NM_206933.2(USH2A):c.1644+10004_1972-12164del

Gene: USH2A (usherin; minus strand). Cytogenetic location: 1q41.
Variant type: Deletion.
Coding change: c.1644+10004_1972-12164del on transcript NM_206933.2; 10004 bases into the intron after coding-DNA position 1644 through 12164 bases into the intron before coding-DNA position 1972, this stretch deleted.
Identifiers: ClinVar variation 503554 (VCV000503554.4).

ClinVar aggregate classification (germline): Likely pathogenic (1 of 4 stars; one submission).

Conditions:
Usher syndrome. Also called: Usher's syndrome; Usher Syndromes. Identifiers: Orphanet 886, MedGen CN469326, MeSH D052245, MONDO:0019501. Disease mechanism: loss of function.

Submission:

Laboratory for Molecular Medicine, Mass General Brigham Personalized Medicine
Classification: Likely pathogenic for Usher syndrome. Last evaluated: 2018-03-07. Review status: criteria provided, single submitter. Criteria: LMM Criteria. Collection method: clinical testing. Allele origin: germline. Inheritance: Autosomal recessive inheritance.
Comment: The deletion encompassing exons 10 and 11 of USH2A has been reported in 3 individuals with Usher syndrome, all of whom were compound heterozygous (Baux 2014, LMM data). This variant has also been reported in 1/32850 European chromosomes by the Exome Aggregation Consortium (ExAC), which is consistent with a recessive carrier frequency. The deletion of exons 10-11 is predicted to result in an in-frame deletion that would truncate the protein by 108 amino acids. In summary, although additional studies are required to fully establish its clinical significance, this variant is likely pathogenic.

Literature cited by the submitters: PubMed 24944099.